The following is an entry in ClinVar:

ClinVar aggregate classification (germline): Uncertain significance (1 of 4 stars; one submission).

Conditions:
Retinitis pigmentosa 20 (RP20). Identifiers: Orphanet 791, MedGen C3151086, MONDO:0013425, OMIM 613794.
Leber congenital amaurosis 2 (LCA2). Also called: AMAUROSIS CONGENITA OF LEBER II; Autosomal Recessive RPE65-Related Retinal Degeneration. Identifiers: Orphanet 65, MedGen C1859844, MONDO:0008765, OMIM 204100. Disease mechanism: loss of function.

gnomAD v4.1: 11 of 1,610,204 alleles (0.00068%); highest among the groups gnomAD compares: African/African-American, 0.0013%; no homozygotes.

Submission:

Labcorp Genetics (formerly Invitae), Labcorp
Classification: Uncertain significance for Leber congenital amaurosis 2; Retinitis pigmentosa 20. Last evaluated: 2025-01-23. Review status: criteria provided, single submitter. Criteria: Invitae Variant Classification Sherloc (09022015). Collection method: clinical testing. Allele origin: germline.
Comment: This sequence change replaces asparagine, which is neutral and polar, with serine, which is neutral and polar, at codon 356 of the RPE65 protein (p.Asn356Ser). This variant is not present in population databases (gnomAD no frequency). This variant has not been reported in the literature in individuals affected with RPE65-related conditions. Invitae Evidence Modeling of protein sequence and biophysical properties (such as structural, functional, and spatial information, amino acid conservation, physicochemical variation, residue mobility, and thermodynamic stability) indicates that this missense variant is not expected to disrupt RPE65 protein function with a negative predictive value of 80%. In summary, the available evidence is currently insufficient to determine the role of this variant in disease. Therefore, it has been classified as a Variant of Uncertain Significance.

NM_000329.3(RPE65):c.1067A>G (p.Asn356Ser)

Gene: RPE65 (retinoid isomerohydrolase RPE65; minus strand). Cytogenetic location: 1p31.3.
Variant type: single nucleotide variant.
Coding change: c.1067A>G on transcript NM_000329.3 (MANE Select); coding-DNA position 1067, A replaced by G.
Protein change: p.Asn356Ser; replaces asparagine 356 with serine.
Molecular consequence: missense variant.
Genome position (GRCh38, 1-based): chr1:68,438,248, T>C on the plus strand (A>G on the coding strand, the complement: RPE65 is on the minus strand). VCF-style: chr1-68438248-T-C. GRCh37 (hg19) VCF-style: chr1-68903931-T-C.
Other names: c.959A>G, p.Asn320Ser (NM_001406853.1); c.791A>G, p.Asn264Ser (NM_001406856.1, NM_001406857.1); c.1067A>G, p.Asn356Ser (NM_001406859.1); short protein forms N264S, N320S, N356S.
Identifiers: ClinVar variation 3753358 (VCV003753358.2).